The following is an entry in ClinVar:

ClinVar aggregate classification (germline): Conflicting classifications of pathogenicity. Review status: criteria provided, conflicting classifications (1 of 4 stars). 7 submissions from 6 submitters: Uncertain significance (5); Likely benign (1). 1 of the submissions does not count toward it. Last evaluated 2026-05-14.

Conditions:
Retinitis pigmentosa 39 (RP39). Identifiers: Orphanet 791, MedGen C3151138, MONDO:0013436, OMIM 613809.
Usher syndrome type 2A. Also called: RETINAL DISEASE IN USHER SYNDROME TYPE IIA, MODIFIER OF; USHER SYNDROME, TYPE IIA. Identifiers: Orphanet 231178, Orphanet 886, MedGen C1848634, MONDO:0010169, OMIM 276901.
USH2A-related disorder. Also called: USH2A-related disorders; USH2A-related condition. Identifiers: MedGen CN239332.

Allele frequency attached by ClinVar (database versions not stated): gnomAD exomes 0.00004 and 0.00008; ExAC 0.00008; TOPMed 0.00014; gnomAD 0.00015; 1000 Genomes Project 0.00040; 1000 Genomes Project 30x 0.00078.
gnomAD v4.1: 86 of 1,613,534 alleles (0.0053%); highest among the groups gnomAD compares: African/African-American, 0.025%; no homozygotes.

Submissions (7):

PreventionGenetics, part of Exact Sciences
Classification: Uncertain significance for USH2A-related condition. Last evaluated: 2026-05-14. Review status: criteria provided, single submitter. Criteria: ACMG Guidelines, 2015. Collection method: clinical testing. Allele origin: germline.
Comment: The USH2A c.5330G>A variant is predicted to result in the amino acid substitution p.Arg1777Gln. This variant was reported, along with two known pathogenic variants in USH2A, in an individual with retinitis pigmentosa (supplementary data, Colombo et al. 2021. PubMed ID: 33576794). This variant is reported in 0.044% of alleles in individuals of African descent in gnomAD. At this time, the clinical significance of this variant is uncertain due to the absence of conclusive functional and genetic evidence.

Blueprint Genetics
Classification: Likely benign. Last evaluated: 2024-11-26. Review status: criteria provided, single submitter. Criteria: ACMG Guidelines, 2015. Collection method: clinical testing. Allele origin: germline.

Labcorp Genetics (formerly Invitae), Labcorp
Classification: Uncertain significance. Last evaluated: 2022-08-04. Review status: criteria provided, single submitter. Criteria: Invitae Variant Classification Sherloc (09022015). Collection method: clinical testing. Allele origin: germline.
Comment: This sequence change replaces arginine, which is basic and polar, with glutamine, which is neutral and polar, at codon 1777 of the USH2A protein (p.Arg1777Gln). This variant is present in population databases (rs541275063, gnomAD 0.05%). This missense change has been observed in individual(s) with clinical features of retinitis pigmentosa (PMID: 33576794). ClinVar contains an entry for this variant (Variation ID: 1061486). Algorithms developed to predict the effect of missense changes on protein structure and function output the following: SIFT: "Tolerated"; PolyPhen-2: "Benign"; Align-GVGD: "Class C0". The glutamine amino acid residue is found in multiple mammalian species, which suggests that this missense change does not adversely affect protein function. Algorithms developed to predict the effect of sequence changes on RNA splicing suggest that this variant may create or strengthen a splice site. This variant disrupts the p.Arg1777 amino acid residue in USH2A. Other variant(s) that disrupt this residue have been determined to be pathogenic (PMID: 21593743, 22135276, 26629787, 26969326). This suggests that this residue is clinically significant, and that variants that disrupt this residue are likely to be disease-causing. In summary, the available evidence is currently insufficient to determine the role of this variant in disease. Therefore, it has been classified as a Variant of Uncertain Significance.

GeneDx
Classification: Uncertain significance. Last evaluated: 2021-12-14. Review status: criteria provided, single submitter. Criteria: GeneDx Variant Classification Process June 2021. Collection method: clinical testing. Allele origin: germline. Affected: yes.
Comment: In silico analysis supports that this missense variant does not alter protein structure/function; This variant is associated with the following publications: (PMID: 33576794)

Genome-Nilou Lab
Classification: Uncertain significance for Usher syndrome type 2A. Last evaluated: 2021-07-22. Review status: criteria provided, single submitter. Criteria: ACMG Guidelines, 2015. Collection method: clinical testing. Allele origin: germline. Affected: no.

Genome-Nilou Lab
Classification: Uncertain significance for Retinitis pigmentosa 39. Last evaluated: 2021-07-22. Review status: criteria provided, single submitter. Criteria: ACMG Guidelines, 2015. Collection method: clinical testing. Allele origin: germline. Affected: no.

Natera, Inc.
Classification: Uncertain significance for Usher syndrome type 2A. Last evaluated: 2020-03-20. Review status: no assertion criteria provided. Collection method: clinical testing. Allele origin: germline. Not counted in ClinVar's aggregate classification.

Literature cited by the submitters: PubMed 33576794 (cited by Labcorp Genetics (formerly Invitae), Labcorp); PubMed 21593743 (cited by Labcorp Genetics (formerly Invitae), Labcorp); PubMed 22135276 (cited by Labcorp Genetics (formerly Invitae), Labcorp); PubMed 26629787 (cited by Labcorp Genetics (formerly Invitae), Labcorp); PubMed 26969326 (cited by Labcorp Genetics (formerly Invitae), Labcorp).

NM_206933.4(USH2A):c.5330G>A (p.Arg1777Gln)

Genes: USH2A (usherin; minus strand), USH2A-AS2 (USH2A antisense RNA 2; plus strand). Cytogenetic location: 1q41.
Variant type: single nucleotide variant.
Coding change: c.5330G>A on transcript NM_206933.4 (MANE Select); coding-DNA position 5330, G replaced by A.
Protein change: p.Arg1777Gln; replaces arginine 1777 with glutamine.
Molecular consequence: missense variant.
Genome position (GRCh38, 1-based): chr1:216,078,331, C>T on the plus strand (G>A on the coding strand, the complement: USH2A is on the minus strand). VCF-style: chr1-216078331-C-T. GRCh37 (hg19) VCF-style: chr1-216251673-C-T.
Other names: c.5330G>A (NM_206933.2); short protein forms R1777Q.
Identifiers: ClinVar variation 1061486 (VCV001061486.14), dbSNP rs541275063, ClinGen allele CA1395467.
Genomic context (GRCh38, chr1:216,078,331, plus strand): 5'-TTACAATAGGATAGCCCCAGCAATAGATCCACTTGTGTAAAGGCAAGACTGGTATTTAAC[C>T]GGAAGGTCAATATTCCACTTTTCAGCTCCATCTGTATTTTATATTAAAAAAGAAAGTAGG-3'
Protein context (NP_996816.3, residues 1767-1787): MELKSGILTF[Arg1777Gln]LNTSLAFTQV